The following is an entry in ClinVar:

ClinVar aggregate classification (germline): Benign/Likely benign. Review status: criteria provided, multiple submitters, no conflicts (2 of 4 stars). 3 submissions from 3 submitters: Benign (1); Likely benign (2). Last evaluated 2024-07-22.

Conditions:
Hereditary cancer-predisposing syndrome. Also called: Neoplastic Syndromes, Hereditary; Hereditary neoplastic syndrome; Tumor predisposition; Hereditary Cancer Syndrome. Identifiers: Orphanet 140162, MedGen C0027672, MeSH D009386, MONDO:0015356.
Familial cancer of breast. Also called: hereditary breast carcinoma; Hereditary breast cancer; BREAST CANCER, FAMILIAL. Identifiers: Orphanet 227535, MedGen C0346153, MONDO:0016419, OMIM 114480. Disease mechanism: loss of function.

Submissions (3):

Myriad Genetics, Inc.
Classification: Benign for Familial cancer of breast. Last evaluated: 2024-07-22. Review status: criteria provided, single submitter. Criteria: Myriad Autosomal Dominant, Autosomal Recessive and X-Linked Classification Criteria (2023). Collection method: clinical testing. Allele origin: unknown.
Comment: This variant is considered benign. This variant is a silent/synonymous amino acid change and it is not expected to impact splicing.

Labcorp Genetics (formerly Invitae), Labcorp
Classification: Likely benign for Familial cancer of breast. Last evaluated: 2023-05-15. Review status: criteria provided, single submitter. Criteria: Invitae Variant Classification Sherloc (09022015). Collection method: clinical testing. Allele origin: germline.

Ambry Genetics
Classification: Likely benign for Hereditary cancer-predisposing syndrome. Last evaluated: 2018-10-29. Review status: criteria provided, single submitter. Criteria: Ambry Variant Classification Scheme 2023. Collection method: clinical testing. Allele origin: germline.

NM_000465.4(BARD1):c.543A>G (p.Glu181=)

Gene: BARD1 (BRCA1 associated RING domain 1; minus strand). Cytogenetic location: 2q35.
Variant type: single nucleotide variant.
Coding change: c.543A>G on transcript NM_000465.4 (MANE Select); coding-DNA position 543, A replaced by G.
Protein change: p.Glu181=; no amino-acid change (glutamic acid 181 retained).
Molecular consequence: synonymous variant. On other transcripts: non-coding transcript variant (2), intron variant (3).
Genome position (GRCh38, 1-based): chr2:214,781,331, T>C on the plus strand (A>G on the coding strand, the complement: BARD1 is on the minus strand). VCF-style: chr2-214781331-T-C. GRCh37 (hg19) VCF-style: chr2-215646055-T-C.
Other names: c.486A>G, p.Glu162= (NM_001282543.2); c.158+28081A>G (NM_001282548.2); c.215+15730A>G (NM_001282545.2); c.364+10966A>G (NM_001282549.2).
Identifiers: ClinVar variation 796551 (VCV000796551.15), dbSNP rs1574820966, ClinGen allele CA431135239.